The following is an entry in ClinVar:

ClinVar aggregate classification (germline): Uncertain significance (1 of 4 stars; one submission).

Conditions:
Tuberous sclerosis 1 (TSC1). Identifiers: Orphanet 805, MedGen C1854465, MONDO:0008612, OMIM 191100.

Allele frequency attached by ClinVar (database versions not stated): gnomAD exomes below 0.00001 and 0.00001.
gnomAD v4.1: 2 of 1,614,048 alleles (0.00012%); highest among the groups gnomAD compares: Admixed American, 0.0017%; no homozygotes.

Submission:

Labcorp Genetics (formerly Invitae), Labcorp
Classification: Uncertain significance for Tuberous sclerosis 1. Last evaluated: 2022-07-26. Review status: criteria provided, single submitter. Criteria: Invitae Variant Classification Sherloc (09022015). Collection method: clinical testing. Allele origin: germline.
Comment: This sequence change falls in intron 9 of the TSC1 gene. It does not directly change the encoded amino acid sequence of the TSC1 protein. It affects a nucleotide within the consensus splice site. In summary, the available evidence is currently insufficient to determine the role of this variant in disease. Therefore, it has been classified as a Variant of Uncertain Significance. Variants that disrupt the consensus splice site are a relatively common cause of aberrant splicing (PMID: 17576681, 9536098). Algorithms developed to predict the effect of sequence changes on RNA splicing suggest that this variant may disrupt the consensus splice site. ClinVar contains an entry for this variant (Variation ID: 1362179). This variant has not been reported in the literature in individuals affected with TSC1-related conditions. This variant is present in population databases (no rsID available, gnomAD no frequency).

Literature cited by the submitters: PubMed 17576681; PubMed 9536098.

NM_000368.5(TSC1):c.913+5A>G

Gene: TSC1 (TSC complex subunit 1; minus strand). Cytogenetic location: 9q34.13.
Variant type: single nucleotide variant.
Coding change: c.913+5A>G on transcript NM_000368.5 (MANE Select); 5 bases into the intron after coding-DNA position 913, A replaced by G.
Molecular consequence: intron variant.
Genome position (GRCh38, 1-based): chr9:132,912,277, T>C on the plus strand (A>G on the coding strand, the complement: TSC1 is on the minus strand). VCF-style: chr9-132912277-T-C. GRCh37 (hg19) VCF-style: chr9-135787664-T-C.
Other names: c.550+5A>G (NM_001362177.2); c.760+5A>G (NM_001162427.2); c.913+5A>G (NM_001162426.2).
Identifiers: ClinVar variation 1362179 (VCV001362179.6), dbSNP rs1468819254, ClinGen allele CA591361360.